The following is an entry in ClinVar:

NM_000053.4(ATP7B):c.845del (p.Leu282fs)

Gene: ATP7B (ATPase copper transporting beta; minus strand). Cytogenetic location: 13q14.3.
Variant type: Deletion.
Coding change: c.845del on transcript NM_000053.4 (MANE Select); coding-DNA position 845, one base deleted (T; older notation c.845delT).
Protein change: p.Leu282fs; shifts the reading frame from leucine 282.
Molecular consequence: frameshift variant. On other transcripts: intron variant (1).
Genome position (GRCh38, 1-based): chr13:51,974,375, A deleted on the plus strand (T on the coding strand, the reverse complement: ATP7B is on the minus strand). VCF-style (leftmost placement, unchanged base first): chr13-51974374-GA-G. GRCh37 (hg19) VCF-style: chr13-52548510-GA-G.
Other names: c.845delT (NM_000053.4); c.845del (NM_000053.3); c.845del, p.Leu282fs (NM_001005918.3, NM_001330578.2, NM_001330579.2); c.802+43del (NM_001243182.2); short protein forms L282fs.
Identifiers: ClinVar variation 35735 (VCV000035735.22), dbSNP rs193922111, ClinGen allele CA260157.
Genomic context (GRCh38, chr13:51,974,374, plus strand): 5'-GTCATACTTTACTTGGGCAGTTTTGTTCTCCAAGGACACTTGAATACTTTGAACCCCTAG[GA>G]GCTGGCCAATATTTTCTTCAATATTCAAGACGCAAGACTTACAATGCATTCCATCTATTC-3'

ClinVar aggregate classification (germline): Pathogenic. Review status: criteria provided, multiple submitters, no conflicts (2 of 4 stars). 11 submissions from 11 submitters: Pathogenic (11). Last evaluated 2026-08-01.

Conditions:
Wilson disease (WND). Also called: Wilson's disease. Identifiers: Orphanet 905, MedGen C0019202, MONDO:0010200, OMIM 277900. Disease mechanism: loss of function.

Allele frequency attached by ClinVar (database versions not stated): TOPMed below 0.00001; ExAC 0.00001; gnomAD exomes below 0.00001.

Submissions (11):

CeGaT Center for Human Genetics Tuebingen
Classification: Pathogenic. Last evaluated: 2026-08-01. Review status: criteria provided, single submitter. Criteria: CeGaT Center For Human Genetics Tuebingen Variant Classification Criteria Version 2. Collection method: clinical testing. Allele origin: germline. Affected: yes. Observed: 1 variant allele.
Comment: ATP7B: PVS1, PM3:Strong, PM2, PP4

Color Diagnostics, LLC DBA Color Health
Classification: Pathogenic for Wilson disease. Last evaluated: 2025-09-22. Review status: criteria provided, single submitter. Criteria: ACMG Guidelines, 2015. Collection method: clinical testing. Allele origin: germline.
Comment: This variant deletes 1 nucleotide in exon 2 of the ATP7B gene, creating a frameshift and premature translation stop signal. This variant is expected to result in an absent or non-functional protein product. This variant has been reported in at least eleven individuals affected with autosomal recessive Wilson disease (PMID: 9311736, 9482578, 9801873, 11216666, 11243728, 15523622, 19172127). In one affected individual, this variant was confirmed in the compound heterozygous state (PMID: 11243728) and in ten individuals it was observed in a homozygous state, indicating that this variant contributes to autosomal recessive disease. This variant is rare in the general population according to the Genome Aggregation Database (gnomAD). Loss of ATP7B function is a known mechanism of disease. Based on the available evidence, this variant is classified as Pathogenic.

Natera, Inc.
Classification: Pathogenic for Wilson disease. Last evaluated: 2025-07-17. Review status: criteria provided, single submitter. Criteria: Natera Variant Classification Schema (03/2026). Collection method: clinical testing. Allele origin: germline.
Comment: The c.845delT variant in ATP7B is a frameshift variant predicted to shift the reading frame beginning at codon 282 and leads to a stop codon 2 codons downstream. This variant is expected to result in nonsense mediated decay, truncation, or a dysfunctional protein product. This variant is rare in the general population with a frequency below the threshold expected for the associated phenotype(s). This variant has been observed in one or more individuals affected with the associated recessive disease, as either homozygous or compound heterozygous with a second variant (PMID: 11243728, 32118851). Given the available evidence, this variant is classified as Pathogenic.

Labcorp Genetics (formerly Invitae), Labcorp
Classification: Pathogenic for Wilson disease. Last evaluated: 2024-06-17. Review status: criteria provided, single submitter. Criteria: Invitae Variant Classification Sherloc (09022015). Collection method: clinical testing. Allele origin: germline.
Comment: This sequence change creates a premature translational stop signal (p.Leu282Profs*2) in the ATP7B gene. It is expected to result in an absent or disrupted protein product. Loss-of-function variants in ATP7B are known to be pathogenic (PMID: 10441329, 16283883). This variant is present in population databases (rs193922111, gnomAD no frequency). This premature translational stop signal has been observed in individual(s) with Wilson disease (PMID: 9311736, 9482578, 11216666, 11243728, 15523622, 18371106, 22308153). ClinVar contains an entry for this variant (Variation ID: 35735). For these reasons, this variant has been classified as Pathogenic.

Baylor Genetics
Classification: Pathogenic for Wilson disease. Last evaluated: 2023-12-11. Review status: criteria provided, single submitter. Criteria: ACMG Guidelines, 2015. Collection method: clinical testing. Allele origin: unknown.

All of Us Research Program, National Institutes of Health
Classification: Pathogenic for Wilson disease. Last evaluated: 2023-06-28. Review status: criteria provided, single submitter. Criteria: ACMG Guidelines, 2015. Collection method: clinical testing. Allele origin: germline. Inheritance: Autosomal recessive inheritance. Observed: 1 variant allele, 1 heterozygote.
Comment: This study involves interpretation of variants in research participants for the purpose of population health screening. Participant phenotype was not available at the time of variant classification. Additional details can be found in publication PMID: 35346344, PMCID: PMC8962531

Fulgent Genetics
Classification: Pathogenic for Wilson disease. Last evaluated: 2021-12-13. Review status: criteria provided, single submitter. Criteria: ACMG Guidelines, 2015. Collection method: clinical testing. Allele origin: unknown.

Genome-Nilou Lab
Classification: Pathogenic for Wilson disease. Last evaluated: 2021-08-10. Review status: criteria provided, single submitter. Criteria: ACMG Guidelines, 2015. Collection method: clinical testing. Allele origin: germline. Affected: no.

Laboratory for Molecular Medicine, Mass General Brigham Personalized Medicine
Classification: Pathogenic for Wilson disease. Last evaluated: 2020-06-11. Review status: criteria provided, single submitter. Criteria: ACMG Guidelines, 2015. Collection method: clinical testing. Allele origin: germline.
Comment: The p.Leu282ProfsX2 variant in ATP7B has been previously reported in several individuals with Wilson disease, including at least 6 homozygotes and 1 compound heterozygotes (Bost 2012, Butler 2001, Kalinsky 1998, Manolaki 2009, Panagiotakaki 2004, Shah 1997, Zali 2011). It was identified in 1/247784 of the total chromosomes in gnomAD. This variant is predicted to cause a frameshift, which alters the protein’s amino acid sequence beginning at position 282 and leads to a premature termination codon 2 amino acids downstream. This alteration is then predicted to lead to a truncated or absent protein. Loss of function of the ATP7B gene is an established disease mechanism in autosomal recessive Wilson disease. In summary, this variant meets criteria to be classified as pathogenic for autosomal recessive Wilson disease. ACMG/AMP criteria applied: PVS1, PM3_Strong, PM2, PP4.

Women's Health and Genetics/Laboratory Corporation of America, LabCorp
Classification: Pathogenic for Wilson Disease. Last evaluated: 2011-08-18. Review status: criteria provided, single submitter. Criteria: LabCorp Variant Classification Summary - May 2015. Collection method: curation. Allele origin: germline. Inheritance: autosomal recessive. Affected: yes. Observed: 14 variant alleles.
ClinVar note: Converted during submission from pathogenic to Pathogenic.

Hadassah Hebrew University Medical Center
Classification: Pathogenic for Wilson disease. Review status: criteria provided, single submitter. Criteria: ACMG Guidelines, 2015. Collection method: research. Allele origin: germline. Affected: no. Observed: 2 variant alleles.

Literature cited by the submitters: PubMed 9311736 (cited by 4 submitters); PubMed 9482578 (cited by 4 submitters); PubMed 9801873 (cited by Color Diagnostics, LLC DBA Color Health and Women's Health and Genetics/Laboratory Corporation of America, LabCorp); PubMed 11216666 (cited by 3 submitters); PubMed 11243728 (cited by 5 submitters); PubMed 15523622 (cited by 4 submitters); PubMed 19172127 (cited by 3 submitters); PubMed 32118851 (cited by Natera, Inc.); PubMed 10441329 (cited by Labcorp Genetics (formerly Invitae), Labcorp); PubMed 16283883 (cited by Labcorp Genetics (formerly Invitae), Labcorp); PubMed 18371106 (cited by 3 submitters); PubMed 22308153 (cited by Labcorp Genetics (formerly Invitae), Labcorp and Laboratory for Molecular Medicine, Mass General Brigham Personalized Medicine); PubMed 9671269 (cited by Laboratory for Molecular Medicine, Mass General Brigham Personalized Medicine); PubMed 22677543 (cited by Laboratory for Molecular Medicine, Mass General Brigham Personalized Medicine).